The following is an entry in ClinVar:

ClinVar aggregate classification (germline): Uncertain significance. Review status: criteria provided, multiple submitters, no conflicts (2 of 4 stars). 10 submissions from 10 submitters: Uncertain significance (9). 1 of the submissions does not count toward it. Last evaluated 2025-12-10.

Conditions:
Hereditary cancer-predisposing syndrome. Also called: Hereditary Cancer Syndrome; Tumor predisposition; Neoplastic Syndromes, Hereditary; Hereditary neoplastic syndrome. Identifiers: Orphanet 140162, MedGen C0027672, MeSH D009386, MONDO:0015356.
Ataxia-telangiectasia syndrome (AT). Also called: ATAXIA-TELANGIECTASIA, COMPLEMENTATION GROUP A; ATAXIA-TELANGIECTASIA, FRESNO VARIANT; Ataxia-telangiectasia; Ataxia-telangiectasia, complementation group E; Cerebello-oculocutaneous telangiectasia; Immunodeficiency with ataxia telangiectasia. Identifiers: Orphanet 100, MedGen C0004135, MONDO:0008840, OMIM 208900.
Familial cancer of breast. Also called: hereditary breast carcinoma; BREAST CANCER, FAMILIAL; Hereditary breast cancer. Identifiers: Orphanet 227535, MedGen C0346153, MONDO:0016419, OMIM 114480. Disease mechanism: loss of function.

Allele frequency attached by ClinVar (database versions not stated): gnomAD exomes below 0.00001 and 0.00001; TOPMed below 0.00001.
gnomAD v4.1: 3 of 1,613,498 alleles (0.00019%); highest among the groups gnomAD compares: Non-Finnish European, 0.00025%; no homozygotes.

Submissions (10):

Color Diagnostics, LLC DBA Color Health
Classification: Uncertain significance for Hereditary cancer-predisposing syndrome. Last evaluated: 2025-12-10. Review status: criteria provided, single submitter. Criteria: ACMG Guidelines, 2015. Collection method: clinical testing. Allele origin: germline.
Comment: This missense variant replaces proline with leucine at codon 2328 of the ATM protein. Computational prediction suggests that this variant may not impact protein structure and function. To our knowledge, functional studies have not been reported for this variant. This variant has been reported in individuals affected with breast cancer and in a breast cancer case-control meta-analysis in 3/60466 cases and 4/53461 unaffected individuals (PMID: 29522266, 33471991LOVD DB-ID ATM_002783). This variant has been identified in 3/1613498 chromosomes in the general population by the Genome Aggregation Database (gnomAD). The available evidence is insufficient to determine the role of this variant in disease conclusively. Therefore, this variant is classified as a Variant of Uncertain Significance.

Labcorp Genetics (formerly Invitae), Labcorp
Classification: Uncertain significance for Ataxia-telangiectasia syndrome. Last evaluated: 2025-08-11. Review status: criteria provided, single submitter. Criteria: Invitae Variant Classification Sherloc (09022015). Collection method: clinical testing. Allele origin: germline.
Comment: This sequence change replaces proline, which is neutral and non-polar, with leucine, which is neutral and non-polar, at codon 2328 of the ATM protein (p.Pro2328Leu). This variant is present in population databases (rs786202730, gnomAD 0.0009%). This missense change has been observed in individual(s) with breast cancer and/or pancreatic cancer (PMID: 32854451, 35047863). ClinVar contains an entry for this variant (Variation ID: 186148). Invitae Evidence Modeling of protein sequence and biophysical properties (such as structural, functional, and spatial information, amino acid conservation, physicochemical variation, residue mobility, and thermodynamic stability) indicates that this missense variant is not expected to disrupt ATM protein function with a negative predictive value of 95%. In summary, the available evidence is currently insufficient to determine the role of this variant in disease. Therefore, it has been classified as a Variant of Uncertain Significance.

Quest Diagnostics Nichols Institute San Juan Capistrano
Classification: Uncertain significance. Last evaluated: 2025-05-12. Review status: criteria provided, single submitter. Criteria: Quest Diagnostics criteria. Collection method: clinical testing. Allele origin: unknown.

Center for Genomic Medicine, Rigshospitalet, Copenhagen University Hospital
Classification: Uncertain significance. Last evaluated: 2025-03-04. Review status: criteria provided, single submitter. Criteria: ACMG Guidelines, 2015. Collection method: clinical testing. Allele origin: germline.

Ambry Genetics
Classification: Uncertain significance for Hereditary cancer-predisposing syndrome. Last evaluated: 2024-04-23. Review status: criteria provided, single submitter. Criteria: Ambry Variant Classification Scheme 2023. Collection method: clinical testing. Allele origin: germline.
Comment: The p.P2328L variant (also known as c.6983C>T), located in coding exon 47 of the ATM gene, results from a C to T substitution at nucleotide position 6983. The proline at codon 2328 is replaced by leucine, an amino acid with similar properties. In a multi-gene panel study of patients with bilateral breast cancer, this variant was observed in 1/139 cases (Fanale D et al. Cancers (Basel), 2020 Aug;12:). This alteration was also detected in 1/5589 German BRCA1/2-negative probands with breast cancer (Hauke J et al. Cancer Med, 2018 04;7:1349-1358). This variant was reported in 3/60,466 breast cancer cases and in 4/53,461 controls (Dorling et al. N Engl J Med 2021 02;384:428-439). This amino acid position is not well conserved in available vertebrate species. In addition, this alteration is predicted to be tolerated by in silico analysis. Based on the available evidence, the clinical significance of this variant remains unclear.

Baylor Genetics
Classification: Uncertain significance for Familial cancer of breast. Last evaluated: 2023-10-22. Review status: criteria provided, single submitter. Criteria: ACMG Guidelines, 2015. Collection method: clinical testing. Allele origin: unknown.

Sema4
Classification: Uncertain significance for Hereditary cancer-predisposing syndrome. Last evaluated: 2021-12-26. Review status: criteria provided, single submitter. Criteria: Sema4 Curation Guidelines. Collection method: curation. Allele origin: germline.
Comment: The ATM c.6983C>T (p.P2328L) variant has been reported in heterozygosity in at least one individual with bilateral breast cancer (PMID: 32854451). It was also reported in 3/60466 breast cancer cases and 4/53461 healthy controls by a large case-control study (PMID: 33471991). It was observed in 1/28704 chromosomes in the Latino subpopulation in the large and broad cohorts of the Genome Aggregation Database (PMID: 32461654). This variant has been reported in ClinVar (Variation ID: 186148). Functional studies have not been performed, and in silico predictions of the variant's effect on protein function are inconclusive. The evidence is insufficient to meet ACMG/AMP criteria for classifying the variant as benign or pathogenic. Thus, the clinical significance of this variant is currently uncertain.

GeneDx
Classification: Uncertain significance. Last evaluated: 2020-12-16. Review status: criteria provided, single submitter. Criteria: GeneDx Variant Classification Process June 2021. Collection method: clinical testing. Allele origin: germline. Affected: yes.
Comment: Not observed at a significant frequency in large population cohorts (Lek 2016); In silico analysis supports that this missense variant does not alter protein structure/function; Observed in individuals with breast cancer (Fanale 2020); This variant is associated with the following publications: (PMID: 32854451)

Women's Health and Genetics/Laboratory Corporation of America, LabCorp
Classification: Uncertain significance. Last evaluated: 2019-03-28. Review status: criteria provided, single submitter. Criteria: LabCorp Variant Classification Summary - May 2015. Collection method: clinical testing. Allele origin: germline.
Comment: Variant summary: ATM c.6983C>T (p.Pro2328Leu) results in a non-conservative amino acid change located in the PIK-related kinase, FAT domain of the encoded protein sequence. Three of five in-silico tools predict a benign effect of the variant on protein function. The variant allele was found at a frequency of 4.1e-06 in 245582 control chromosomes (gnomAD). The available data on variant occurrences in the general population are insufficient to allow any conclusion about variant significance. c.6983C>T has been reported in the literature with limited information (Hauke_2018). This report does not provide an unequivocal conclusions about association of the variant with Breast Cancer. To our knowledge, no experimental evidence demonstrating an impact on protein function has been reported. Four ClinVar submissions from clinical diagnostic laboratories (evaluation after 2014) cite the variant as uncertain significance. Based on the evidence outlined above, the variant was classified as uncertain significance.

Natera, Inc.
Classification: Uncertain significance for Ataxia-telangiectasia. Last evaluated: 2021-05-14. Review status: no assertion criteria provided. Collection method: clinical testing. Allele origin: germline. Not counted in ClinVar's aggregate classification.

Literature cited by the submitters: PubMed 29522266 (cited by Color Diagnostics, LLC DBA Color Health and Ambry Genetics); PubMed 33471991 (cited by 3 submitters); PubMed 32854451 (cited by 3 submitters); PubMed 35047863 (cited by Labcorp Genetics (formerly Invitae), Labcorp).

NM_000051.4(ATM):c.6983C>T (p.Pro2328Leu)

Genes: ATM (ATM serine/threonine kinase; plus strand), C11orf65 (chromosome 11 open reading frame 65; minus strand). Cytogenetic location: 11q22.3.
Variant type: single nucleotide variant.
Coding change: c.6983C>T on transcript NM_000051.4 (MANE Select); coding-DNA position 6983, C replaced by T.
Protein change: p.Pro2328Leu; replaces proline 2328 with leucine.
Molecular consequence: missense variant. On other transcripts: intron variant (2).
Genome position (GRCh38, 1-based): chr11:108,327,652, C>T. VCF-style: chr11-108327652-C-T. GRCh37 (hg19) VCF-style: chr11-108198379-C-T.
Other names: c.6983C>T, p.Pro2328Leu (NM_001351834.2); c.641-18581G>A (NM_001330368.2); c.*38+7568G>A (NM_001351110.2); short protein forms P2328L.
Identifiers: ClinVar variation 186148 (VCV000186148.34), dbSNP rs786202730, ClinGen allele CA193989.